The following is an entry in ClinVar:

ClinVar aggregate classification (germline): Pathogenic (1 of 4 stars; one submission).

Submission:

Labcorp Genetics (formerly Invitae), Labcorp
Classification: Pathogenic. Last evaluated: 2023-08-09. Review status: criteria provided, single submitter. Criteria: Invitae Variant Classification Sherloc (09022015). Collection method: clinical testing. Allele origin: germline.
Comment: This variant has not been reported in the literature in individuals affected with F11-related conditions. For these reasons, this variant has been classified as Pathogenic. Information on the frequency of this variant in the gnomAD database is not available, as this variant may be reported differently in the database. This sequence change creates a premature translational stop signal (p.Cys339*) in the F11 gene. It is expected to result in an absent or disrupted protein product. Loss-of-function variants in F11 are known to be pathogenic (PMID: 23929304).

Literature cited by the submitters: PubMed 23929304.

NM_000128.4(F11):c.1016_1017delinsAA (p.Cys339Ter)

Gene: F11 (coagulation factor XI; plus strand). Cytogenetic location: 4q35.2.
Variant type: Indel.
Coding change: c.1016_1017delinsAA on transcript NM_000128.4 (MANE Select); coding-DNA positions 1016 to 1017, GC replaced by AA.
Protein change: p.Cys339Ter; replaces cysteine 339 with a stop codon.
Molecular consequence: nonsense.
Genome position (GRCh38, 1-based): chr4:186,280,373-186,280,374, GC replaced by AA. VCF-style: chr4-186280373-GC-AA. GRCh37 (hg19) VCF-style: chr4-187201527-GC-AA.
Other names: short protein forms C339*.
Identifiers: ClinVar variation 2751337 (VCV002751337.3), dbSNP rs2477331268, ClinGen allele CA2697547006.
Genomic context (GRCh38, chr4:186,280,373, plus strand): 5'-AACTGTGCACCAATGCCGTCCGCTGCCAGTTTTTTACCTATACCCCAGCCCAAGCATCCT[GC>AA]AACGAAGGGAAGTAAGCCATATGAAGGGTTATGCAGACACCCTTGTCCCGTCTGCCTGTG-3'